The following is an entry in ClinVar:

NM_003332.4(TYROBP):c.163G>T (p.Val55Leu)

Gene: TYROBP (transmembrane immune signaling adaptor TYROBP; minus strand). Cytogenetic location: 19q13.12.
Variant type: single nucleotide variant.
Coding change: c.163G>T on transcript NM_003332.4 (MANE Select); coding-DNA position 163, G replaced by T.
Protein change: p.Val55Leu; replaces valine 55 with leucine.
Molecular consequence: missense variant. On other transcripts: non-coding transcript variant (1).
Genome position (GRCh38, 1-based): chr19:35,907,512, C>A on the plus strand (G>T on the coding strand, the complement: TYROBP is on the minus strand). VCF-style: chr19-35907512-C-A. GRCh37 (hg19) VCF-style: chr19-36398414-C-A.
Other names: p.Val55Leu; c.130G>T, p.Val44Leu (NM_001173514.2, NM_001173515.2); c.163G>T, p.Val55Leu (NM_198125.3); short protein forms V55L, V44L.
Identifiers: ClinVar variation 196360 (VCV000196360.23), dbSNP rs77782321, ClinGen allele CA202321.
Genomic context (GRCh38, chr19:35,907,512, plus strand): 5'-CAGCCCCTCGCCCCCGAGGGACCAGCCGGCCCAGGAAGTACACGGCCAGGGCAATGAGCA[C>A]TGTCAGCACCAGGTCTCCCATCACGATCCCTGCCAGCACGCCCGGGCTCACCGTAGAGCA-3'
Protein context (NP_003323.1, residues 45-65): GIVMGDLVLT[Val55Leu]LIALAVYFLG

ClinVar aggregate classification (germline): Benign. Review status: criteria provided, multiple submitters, no conflicts (2 of 4 stars). 9 submissions from 9 submitters: Benign (6). 3 of the submissions do not count toward it. Last evaluated 2026-01-29.

Conditions:
TYROBP-related disorder. Also called: TYROBP-related condition.
Polycystic lipomembranous osteodysplasia with sclerosing leukoencephalopathy 1 (PLOSL1). Also called: TYROBP-Related Polycystic Lipomembranous Osteodysplasia with Sclerosing Leukoencephalopathy; TREM2-Related Polycystic Lipomembranous Osteodysplasia with Sclerosing Leukoencephalopathy. Identifiers: Orphanet 2770, MedGen C4721893, MONDO:0020749, OMIM 221770.

Allele frequency attached by ClinVar (database versions not stated): 1000 Genomes Project 0.02316; ESP Exome Variant Server 0.00761; gnomAD 0.00810 and 0.00940; TOPMed 0.01026; gnomAD exomes 0.01141 and 0.01475; ExAC 0.01518; 1000 Genomes Project 30x 0.02249.

Submissions (9):

Labcorp Genetics (formerly Invitae), Labcorp
Classification: Benign. Last evaluated: 2026-01-29. Review status: criteria provided, single submitter. Criteria: Invitae Variant Classification Sherloc (09022015). Collection method: clinical testing. Allele origin: germline.

Mayo Clinic Laboratories, Mayo Clinic
Classification: Benign. Last evaluated: 2023-03-10. Review status: criteria provided, single submitter. Criteria: ACMG Guidelines, 2015. Collection method: clinical testing. Allele origin: germline. Observed: 15 variant alleles.
Comment: BA1, BP4

GeneDx
Classification: Benign. Last evaluated: 2018-12-20. Review status: criteria provided, single submitter. Criteria: GeneDx Variant Classification Process June 2021. Collection method: clinical testing. Allele origin: germline. Affected: yes.
Comment: This variant is associated with the following publications: (PMID: 27658901)

Illumina Laboratory Services, Illumina
Classification: Benign for Polycystic lipomembranous osteodysplasia with sclerosing leukoencephalopathy 1. Last evaluated: 2018-01-13. Review status: criteria provided, single submitter. Criteria: ICSL Variant Classification Criteria 13 December 2019. Collection method: clinical testing. Allele origin: germline.
Comment: This variant was observed in the ICSL laboratory as part of a predisposition screen in an ostensibly healthy population. It had not been previously curated by ICSL or reported in the Human Gene Mutation Database (HGMD: prior to June 1st, 2018), and was therefore a candidate for classification through an automated scoring system. Utilizing variant allele frequency, disease prevalence and penetrance estimates, and inheritance mode, an automated score was calculated to assess if this variant is too frequent to cause the disease. Based on the score and internal cut-off values, a variant classified as benign is not then subjected to further curation. The score for this variant resulted in a classification of benign for this disease.

Eurofins Ntd Llc (ga)
Classification: Benign. Last evaluated: 2015-01-21. Review status: criteria provided, single submitter. Criteria: EGL Classification Definitions 2015. Collection method: clinical testing. Allele origin: germline. Observed: 1 variant allele, 1 heterozygote.

Breakthrough Genomics
Classification: Benign. Review status: criteria provided, single submitter. Criteria: ACMG Guidelines, 2015. Collection method: not provided. Allele origin: germline. Inheritance: Autosomal recessive inheritance. Affected: yes.

PreventionGenetics, part of Exact Sciences
Classification: Benign for TYROBP-related condition. Last evaluated: 2019-02-18. Review status: no assertion criteria provided. Collection method: clinical testing. Allele origin: germline. Not counted in ClinVar's aggregate classification.
Comment: This variant is classified as benign based on ACMG/AMP sequence variant interpretation guidelines (Richards et al. 2015 PMID: 25741868, with internal and published modifications).

Genome Diagnostics Laboratory, Amsterdam University Medical Center
Classification: Benign. Review status: no assertion criteria provided. Collection method: clinical testing. Allele origin: germline. Affected: yes. Study: VKGL Data-share Consensus. Not counted in ClinVar's aggregate classification.

Laboratory of Diagnostic Genome Analysis, Leiden University Medical Center (LUMC)
Classification: Likely benign. Review status: no assertion criteria provided. Collection method: clinical testing. Allele origin: germline. Affected: yes. Study: VKGL Data-share Consensus. Not counted in ClinVar's aggregate classification.

Literature cited by the submitters: PubMed 27658901 (cited by Mayo Clinic Laboratories, Mayo Clinic); PubMed 28716534 (cited by Mayo Clinic Laboratories, Mayo Clinic).